The following is an entry in ClinVar:

NM_000016.6(ACADM):c.320_324del (p.Cys106_Leu107insTer)

Gene: ACADM (acyl-CoA dehydrogenase medium chain; plus strand). Cytogenetic location: 1p31.1.
Variant type: Deletion.
Coding change: c.320_324del on transcript NM_000016.6 (MANE Select); coding-DNA positions 320 to 324, 5 bases deleted (TAATT; older notation c.320_324delTAATT).
Protein change: p.Cys106_Leu107insTer.
Molecular consequence: nonsense. On other transcripts: frameshift variant (1), intron variant (1).
Genome position (GRCh38, 1-based): chr1:75,733,561-75,733,565, TAATT deleted; deleting any 5 consecutive bases within chr1:75,733,559-75,733,565 gives the same sequence; the c. name uses the placement nearest the transcript's 3' end. VCF-style (leftmost placement, unchanged base first): chr1-75733558-GTTTAA-G. GRCh37 (hg19) VCF-style: chr1-76199243-GTTTAA-G.
Other names: c.320_324delTAATT, p.Leu107Terfs (NM_000016.5); c.332_336del, p.Cys110_Leu111insTer (NM_001127328.3); c.212_216del, p.Cys70_Leu71insTer (NM_001286042.2); c.419_423del, p.Cys139_Leu140insTer (NM_001286043.2); c.-100+639_-100+643del (NM_001286044.2).
Identifiers: ClinVar variation 4064411 (VCV004064411.2).

ClinVar aggregate classification (germline): Likely pathogenic (1 of 4 stars; one submission).

Conditions:
Medium-chain acyl-coenzyme A dehydrogenase deficiency (ACADMD). Also called: ACADM DEFICIENCY; CARNITINE DEFICIENCY SECONDARY TO MEDIUM-CHAIN ACYL-CoA DEHYDROGENASE DEFICIENCY; MCADH DEFICIENCY; MCADD; Medium chain acyl-CoA dehydrogenase deficiency; MCAD Deficiency. Identifiers: Orphanet 42, MedGen C0220710, MONDO:0008721, OMIM 201450.

Submission:

Natera, Inc.
Classification: Likely pathogenic for Medium Chain Acyl-CoA Dehydrogenase Deficiency. Last evaluated: 2025-04-27. Review status: criteria provided, single submitter. Criteria: Natera Variant Classification Schema (03/2026). Collection method: clinical testing. Allele origin: germline.
Comment: The c.320_324del variant in ACADM is a frameshift variant predicted to shift the reading frame and introduce a stop codon. This variant is expected to result in nonsense mediated decay, truncation, or a dysfunctional protein product. This variant is rare in the general population with a frequency below the threshold expected for the associated phenotype(s). Given the available evidence, this variant is classified as Likely Pathogenic.